The following is an entry in ClinVar:

ClinVar aggregate classification (germline): Uncertain significance (1 of 4 stars; one submission).

Conditions:
Adenylosuccinate lyase deficiency (ADSLD). Also called: ADSL DEFICIENCY. Identifiers: Orphanet 46, MedGen C0268126, MONDO:0007068, OMIM 103050.

Submission:

Labcorp Genetics (formerly Invitae), Labcorp
Classification: Uncertain significance for Adenylosuccinate lyase deficiency. Last evaluated: 2021-07-11. Review status: criteria provided, single submitter. Criteria: Invitae Variant Classification Sherloc (09022015). Collection method: clinical testing. Allele origin: germline.
Comment: In summary, the available evidence is currently insufficient to determine the role of this variant in disease. Therefore, it has been classified as a Variant of Uncertain Significance. Experimental studies and prediction algorithms are not available or were not evaluated, and the functional significance of this variant is currently unknown. This variant has not been reported in the literature in individuals affected with ADSL-related conditions. The frequency data for this variant in the population databases is considered unreliable, as metrics indicate insufficient coverage at this position in the ExAC database. This variant occurs in a non-coding region of the ADSL gene. It does not change the encoded amino acid sequence of the ADSL protein.

NC_000022.11:g.40345969_40345970del

Gene: ADSL (adenylosuccinate lyase; plus strand). Cytogenetic location: 22q13.1.
Variant type: Deletion.
Genome position: GRCh38 VCF-style: chr22-40345968-CTT-C. GRCh37 (hg19) VCF-style: chr22-40741972-CTT-C.
Identifiers: ClinVar variation 1482173 (VCV001482173.6), dbSNP rs2146609166, ClinGen allele CA2573158340.